The following is an entry in ClinVar:

NM_001134363.3(RBM20):c.3431G>A (p.Ser1144Asn)

Gene: RBM20 (RNA binding motif protein 20; plus strand). Cytogenetic location: 10q25.2.
Variant type: single nucleotide variant.
Coding change: c.3431G>A on transcript NM_001134363.3 (MANE Select); coding-DNA position 3431, G replaced by A.
Protein change: p.Ser1144Asn; replaces serine 1144 with asparagine.
Molecular consequence: missense variant.
Genome position (GRCh38, 1-based): chr10:110,823,594, G>A. VCF-style: chr10-110823594-G-A. GRCh37 (hg19) VCF-style: chr10-112583352-G-A.
Other names: c.3431G>A (NM_001134363.1); short protein forms S1144N.
Identifiers: ClinVar variation 845646 (VCV000845646.10), dbSNP rs1353732061, ClinGen allele CA378384332.
Genomic context (GRCh38, chr10:110,823,594, plus strand): 5'-CTGAAGTGGAACTGAAACAGCCCCTTTCTTTGCCCTCTTGGGAACCAGAGGATGTGTTCA[G>A]TGAACTTAGCATTCCTCTAGGTAAGCAAAACACACAGTCTTTCCTGAAATTCAGGTCTAG-3'
Protein context (NP_001127835.2, residues 1134-1154): LPSWEPEDVF[Ser1144Asn]ELSIPLGVEF

ClinVar aggregate classification (germline): Conflicting classifications of pathogenicity. Review status: criteria provided, conflicting classifications (1 of 4 stars). 2 submissions from 2 submitters: Uncertain significance (1); Benign (1). Last evaluated 2025-09-15.

Conditions:
Cardiovascular phenotype. Identifiers: MedGen CN230736.
Dilated cardiomyopathy 1DD (CMD1DD). Identifiers: Orphanet 154, MedGen C2750995, MONDO:0013168, OMIM 613172.

Allele frequency attached by ClinVar (database versions not stated): gnomAD exomes below 0.00001 and 0.00001; TOPMed below 0.00001.
gnomAD v4.1: 1 of 1,551,624 alleles (0.000064%); highest among the groups gnomAD compares: African/African-American, 0.0014%; no homozygotes.

Submissions (2):

Labcorp Genetics (formerly Invitae), Labcorp
Classification: Benign for Dilated cardiomyopathy 1DD. Last evaluated: 2025-09-15. Review status: criteria provided, single submitter. Criteria: Invitae Variant Classification Sherloc (09022015). Collection method: clinical testing. Allele origin: germline.

Ambry Genetics
Classification: Uncertain significance for Cardiovascular phenotype. Last evaluated: 2024-08-28. Review status: criteria provided, single submitter. Criteria: Ambry Variant Classification Scheme 2023. Collection method: clinical testing. Allele origin: germline.
Comment: The p.S1144N variant (also known as c.3431G>A), located in coding exon 12 of the RBM20 gene, results from a G to A substitution at nucleotide position 3431. The serine at codon 1144 is replaced by asparagine, an amino acid with highly similar properties. This amino acid position is conserved. In addition, this alteration is predicted to be tolerated by in silico analysis. Based on the available evidence, the clinical significance of this variant remains unclear.